The following is an entry in ClinVar:

ClinVar aggregate classification (germline): Likely benign. Review status: criteria provided, multiple submitters, no conflicts (2 of 4 stars). 6 submissions from 6 submitters: Likely benign (6). Last evaluated 2026-04-01.

Conditions:
Familial thoracic aortic aneurysm and aortic dissection (TAAD). Also called: Thoracic aortic aneurysms and dissections. Identifiers: Orphanet 91387, MedGen C4707243, MONDO:0019625.
Heterotopia, periventricular, X-linked dominant (PVNH1). Also called: PERIVENTRICULAR NODULAR HETEROTOPIA 4; HETEROTOPIA, PERIVENTRICULAR, 1; PERIVENTRICULAR NODULAR HETEROTOPIA 1; X-linked periventricular heterotopia. Identifiers: Orphanet 2149, Orphanet 82004, MedGen C1848213, MONDO:0010233, OMIM 300049.
Frontometaphyseal dysplasia (FMD1). Identifiers: Orphanet 1826, MedGen C0265293, MONDO:0015942.
Oto-palato-digital syndrome, type II (OPD2). Also called: OPD II SYNDROME; Otopalatodigital Syndrome Type 2 (FLNA-OPD2); Otopalatodigital Syndrome, Type II; FACIOPALATOOSSEOUS SYNDROME. Identifiers: Orphanet 669, Orphanet 90652, MedGen C1844696, MONDO:0010571, OMIM 304120.
Melnick-Needles syndrome (MNS). Also called: MELNICK-NEEDLES OSTEODYSPLASTY; OSTEODYSPLASTY OF MELNICK AND NEEDLES; Melnick-Needles Syndrome (FLNA-MNS). Identifiers: Orphanet 2484, MedGen C0025237, MONDO:0010650, OMIM 309350.

Allele frequency attached by ClinVar (database versions not stated): gnomAD exomes 0.00004; gnomAD 0.00001.
gnomAD v4.1: 43 of 1,210,002 alleles (0.0036%); highest among the groups gnomAD compares: South Asian, 0.054%; no homozygotes.

Submissions (6):

CeGaT Center for Human Genetics Tuebingen
Classification: Likely benign. Last evaluated: 2026-04-01. Review status: criteria provided, single submitter. Criteria: CeGaT Center For Human Genetics Tuebingen Variant Classification Criteria Version 2. Collection method: clinical testing. Allele origin: germline. Affected: yes. Observed: 2 variant alleles.
Comment: FLNA: BP4, BP7, BS2

Labcorp Genetics (formerly Invitae), Labcorp
Classification: Likely benign for Oto-palato-digital syndrome, type II; Heterotopia, periventricular, X-linked dominant; Frontometaphyseal dysplasia; Melnick-Needles syndrome. Last evaluated: 2025-02-06. Review status: criteria provided, single submitter. Criteria: Invitae Variant Classification Sherloc (09022015). Collection method: clinical testing. Allele origin: germline.

Mayo Clinic Laboratories, Mayo Clinic
Classification: Likely benign. Last evaluated: 2024-12-13. Review status: criteria provided, single submitter. Criteria: ACMG Guidelines, 2015. Collection method: clinical testing. Allele origin: germline. Observed: 2 variant alleles.
Comment: BP4, BP7

Blueprint Genetics
Classification: Likely benign. Last evaluated: 2024-09-19. Review status: criteria provided, single submitter. Criteria: ACMG Guidelines, 2015. Collection method: clinical testing. Allele origin: germline.

Ambry Genetics
Classification: Likely benign for Familial thoracic aortic aneurysm and aortic dissection. Last evaluated: 2023-12-21. Review status: criteria provided, single submitter. Criteria: Ambry Variant Classification Scheme 2023. Collection method: clinical testing. Allele origin: germline.

Eurofins Ntd Llc (ga)
Classification: Likely benign. Last evaluated: 2018-09-06. Review status: criteria provided, single submitter. Criteria: EGL ClinVar v180209 classification definitions. Collection method: clinical testing. Allele origin: germline. Observed: 1 variant allele, 1 heterozygote.

NM_001110556.2(FLNA):c.3282C>T (p.Gly1094=)

Gene: FLNA (filamin A; minus strand). Cytogenetic location: Xq28.
Variant type: single nucleotide variant.
Coding change: c.3282C>T on transcript NM_001110556.2 (MANE Select); coding-DNA position 3282, C replaced by T.
Protein change: p.Gly1094=; no amino-acid change (glycine 1094 retained).
Molecular consequence: synonymous variant.
Genome position (GRCh38, 1-based): chrX:154,360,513, G>A on the plus strand (C>T on the coding strand, the complement: FLNA is on the minus strand). VCF-style: chrX-154360513-G-A. GRCh37 (hg19) VCF-style: chrX-153588881-G-A.
Other names: p.Gly1094=; c.3282C>T, p.Gly1094= (NM_001456.4); c.3282C>T (NM_001456.3).
Identifiers: ClinVar variation 598605 (VCV000598605.39), dbSNP rs369583365, ClinGen allele CA10560734.